The following is an entry in ClinVar:

ClinVar aggregate classification (germline): Benign. Review status: criteria provided, multiple submitters, no conflicts (2 of 4 stars). 2 submissions from 2 submitters: Benign (2). Last evaluated 2018-01-13.

Conditions:
Ulnar-mammary syndrome (UMS). Also called: SCHINZEL SYNDROME; Ulnar-mammary syndrome of Pallister; PALLISTER ULNAR-MAMMARY SYNDROME. Identifiers: Orphanet 3138, MedGen C1866994, MONDO:0008411, OMIM 181450.

Allele frequency attached by ClinVar (database versions not stated): TOPMed 0.24963; 1000 Genomes Project 0.27776.

Submissions (2):

Illumina Laboratory Services, Illumina
Classification: Benign for Ulnar-mammary syndrome. Last evaluated: 2018-01-13. Review status: criteria provided, single submitter. Criteria: ICSL Variant Classification Criteria 13 December 2019. Collection method: clinical testing. Allele origin: germline.
Comment: This variant was observed in the ICSL laboratory as part of a predisposition screen in an ostensibly healthy population. It had not been previously curated by ICSL or reported in the Human Gene Mutation Database (HGMD: prior to June 1st, 2018), and was therefore a candidate for classification through an automated scoring system. Utilizing variant allele frequency, disease prevalence and penetrance estimates, and inheritance mode, an automated score was calculated to assess if this variant is too frequent to cause the disease. Based on the score and internal cut-off values, a variant classified as benign is not then subjected to further curation. The score for this variant resulted in a classification of benign for this disease.

Breakthrough Genomics
Classification: Benign. Review status: criteria provided, single submitter. Criteria: ACMG Guidelines, 2015. Collection method: not provided. Allele origin: germline. Inheritance: Autosomal dominant inheritance. Affected: yes.

NM_005996.4(TBX3):c.*1285A>G

Gene: TBX3 (T-box transcription factor 3; minus strand). Cytogenetic location: 12q24.21.
Variant type: single nucleotide variant.
Coding change: c.*1285A>G on transcript NM_005996.4 (MANE Select); 1285 bases downstream of the stop codon, A replaced by G.
Molecular consequence: 3 prime UTR variant.
Genome position (GRCh38, 1-based): chr12:114,670,556, T>C on the plus strand (A>G on the coding strand, the complement: TBX3 is on the minus strand). VCF-style: chr12-114670556-T-C. GRCh37 (hg19) VCF-style: chr12-115108361-T-C.
Other names: c.*1285A>G (NM_016569.4).
Identifiers: ClinVar variation 307329 (VCV000307329.6), dbSNP rs1061651, ClinGen allele CA10636557.